The following is an entry in ClinVar:

ClinVar aggregate classification (germline): Conflicting classifications of pathogenicity. Review status: criteria provided, conflicting classifications (1 of 4 stars). 2 submissions from 2 submitters: Pathogenic (1); Uncertain significance (1). Last evaluated 2022-05-22.

Conditions:
Adenylosuccinate lyase deficiency (ADSLD). Also called: ADSL DEFICIENCY. Identifiers: Orphanet 46, MedGen C0268126, MONDO:0007068, OMIM 103050.

gnomAD v4.1: 2 of 1,614,082 alleles (0.00012%); highest among the groups gnomAD compares: Non-Finnish European, 0.00017%; no homozygotes.

Submissions (2):

Labcorp Genetics (formerly Invitae), Labcorp
Classification: Pathogenic for Adenylosuccinate lyase deficiency. Last evaluated: 2022-05-22. Review status: criteria provided, single submitter. Criteria: Invitae Variant Classification Sherloc (09022015). Collection method: clinical testing. Allele origin: germline.
Comment: For these reasons, this variant has been classified as Pathogenic. This variant disrupts the p.Asp268 amino acid residue in ADSL. Other variant(s) that disrupt this residue have been determined to be pathogenic (PMID: 10888601, 20127976, 23055421, 29302074). This suggests that this residue is clinically significant, and that variants that disrupt this residue are likely to be disease-causing. Experimental studies have shown that this missense change affects ADSL function (PMID: 18524658). Advanced modeling of protein sequence and biophysical properties (such as structural, functional, and spatial information, amino acid conservation, physicochemical variation, residue mobility, and thermodynamic stability) performed at Invitae indicates that this missense variant is expected to disrupt ADSL protein function. This missense change has been observed in individual(s) with adenylosuccinate lyase deficiency (PMID: 18524658). This variant is not present in population databases (gnomAD no frequency). This sequence change replaces aspartic acid, which is acidic and polar, with histidine, which is basic and polar, at codon 268 of the ADSL protein (p.Asp268His).

Blueprint Genetics
Classification: Uncertain significance. Last evaluated: 2018-09-26. Review status: criteria provided, single submitter. Criteria: ACMG Guidelines, 2015. Collection method: clinical testing. Allele origin: germline.

Literature cited by the submitters: PubMed 10888601 (cited by Labcorp Genetics (formerly Invitae), Labcorp); PubMed 20127976 (cited by Labcorp Genetics (formerly Invitae), Labcorp); PubMed 23055421 (cited by Labcorp Genetics (formerly Invitae), Labcorp); PubMed 29302074 (cited by Labcorp Genetics (formerly Invitae), Labcorp); PubMed 18524658 (cited by Labcorp Genetics (formerly Invitae), Labcorp).

NM_000026.4(ADSL):c.802G>C (p.Asp268His)

Gene: ADSL (adenylosuccinate lyase; plus strand). Cytogenetic location: 22q13.1.
Variant type: single nucleotide variant.
Coding change: c.802G>C on transcript NM_000026.4 (MANE Select); coding-DNA position 802, G replaced by C.
Protein change: p.Asp268His; replaces aspartic acid 268 with histidine.
Molecular consequence: missense variant. On other transcripts: non-coding transcript variant (1).
Genome position (GRCh38, 1-based): chr22:40,361,282, G>C. VCF-style: chr22-40361282-G-C. GRCh37 (hg19) VCF-style: chr22-40757286-G-C.
Other names: c.802G>C, p.Asp268His (NM_001123378.3, NM_001363840.3, NM_001410812.1 and 1 more transcripts); c.610G>C, p.Asp204His (NM_001317923.2); c.757G>C, p.Asp253His (NM_001410814.1); short protein forms D204H, D268H, D253H.
Identifiers: ClinVar variation 2138451 (VCV002138451.5), dbSNP rs746501563, ClinGen allele CA324458223.